The following is an entry in ClinVar:

NM_022124.6(CDH23):c.41T>C (p.Leu14Pro)

Gene: CDH23 (cadherin related 23; plus strand). Cytogenetic location: 10q22.1.
Variant type: single nucleotide variant.
Coding change: c.41T>C on transcript NM_022124.6 (MANE Select); coding-DNA position 41, T replaced by C.
Protein change: p.Leu14Pro; replaces leucine 14 with proline.
Molecular consequence: missense variant.
Genome position (GRCh38, 1-based): chr10:71,439,872, T>C. VCF-style: chr10-71439872-T-C. GRCh37 (hg19) VCF-style: chr10-73199629-T-C.
Other names: c.41T>C, p.Leu14Pro (NM_001171930.2, NM_001171931.2, NM_001171932.2 and 1 more transcripts); short protein forms L14P.
Identifiers: ClinVar variation 1041484 (VCV001041484.8), dbSNP rs1224641223, ClinGen allele CA377112583.

ClinVar aggregate classification (germline): Uncertain significance (1 of 4 stars; one submission).

Submission:

Labcorp Genetics (formerly Invitae), Labcorp
Classification: Uncertain significance. Last evaluated: 2026-01-12. Review status: criteria provided, single submitter. Criteria: Invitae Variant Classification Sherloc (09022015). Collection method: clinical testing. Allele origin: germline.
Comment: This sequence change replaces leucine, which is neutral and non-polar, with proline, which is neutral and non-polar, at codon 14 of the CDH23 protein (p.Leu14Pro). This variant is not present in population databases (gnomAD no frequency). This missense change has been observed in individual(s) with Usher syndrome (internal data). ClinVar contains an entry for this variant (Variation ID: 1041484). Invitae Evidence Modeling of protein sequence and biophysical properties (such as structural, functional, and spatial information, amino acid conservation, physicochemical variation, residue mobility, and thermodynamic stability) has been performed for this missense variant. However, the output from this modeling did not meet the statistical confidence thresholds required to predict the impact of this variant on CDH23 protein function. In summary, the available evidence is currently insufficient to determine the role of this variant in disease. Therefore, it has been classified as a Variant of Uncertain Significance.